The following is an entry in ClinVar:

NM_000492.4(CFTR):c.844G>T (p.Glu282Ter)

Gene: CFTR (CF transmembrane conductance regulator; plus strand). Cytogenetic location: 7q31.2.
Variant type: single nucleotide variant.
Coding change: c.844G>T on transcript NM_000492.4 (MANE Select); coding-DNA position 844, G replaced by T.
Protein change: p.Glu282Ter; replaces glutamic acid 282 with a stop codon.
Molecular consequence: nonsense.
Genome position (GRCh38, 1-based): chr7:117,536,648, G>T. VCF-style: chr7-117536648-G-T. GRCh37 (hg19) VCF-style: chr7-117176702-G-T.
Other names: short protein forms E282*.
Identifiers: ClinVar variation 1704404 (VCV001704404.4), dbSNP rs1798962805, ClinGen allele CA368977536.

ClinVar aggregate classification (germline): Pathogenic/Likely pathogenic. Review status: criteria provided, multiple submitters, no conflicts (2 of 4 stars). 3 submissions from 3 submitters: Pathogenic (2); Likely pathogenic (1). Last evaluated 2025-02-04.

Conditions:
CFTR-related disorder (CFTR-RD). Also called: CFTR-related condition; CFTR-related disorders. Identifiers: MedGen C5924204, MONDO:7770004.
Cystic fibrosis (CF). Also called: MUCOVISCIDOSIS. Identifiers: Orphanet 586, MedGen C0010674, MONDO:0009061, OMIM 219700. Disease mechanism: loss of function.

Allele frequency attached by ClinVar (database versions not stated): TOPMed below 0.00001.

Submissions (3):

Natera, Inc.
Classification: Likely pathogenic for CFTR-related disorders. Last evaluated: 2025-02-04. Review status: criteria provided, single submitter. Criteria: Natera Variant Classification Schema (03/2026). Collection method: clinical testing. Allele origin: germline.
Comment: The c.844G>T variant in CFTR is a nonsense variant predicted to introduce a stop codon at amino acid 282. This variant is expected to result in nonsense mediated decay, truncation, or a dysfunctional protein product. This variant is rare in the general population with a frequency below the threshold expected for the associated phenotype(s). Given the available evidence, this variant is classified as Likely Pathogenic.

Women's Health and Genetics/Laboratory Corporation of America, LabCorp
Classification: Pathogenic for Cystic fibrosis. Last evaluated: 2024-02-26. Review status: criteria provided, single submitter. Criteria: LabCorp Variant Classification Summary - May 2015. Collection method: clinical testing. Allele origin: germline.
Comment: Variant summary: CFTR c.844G>T (p.Glu282X) results in a premature termination codon, predicted to cause absence of the protein due to nonsense mediated decay, which is a commonly known mechanism for disease. The variant was absent in 280824 control chromosomes (gnomAD). To our knowledge, no occurrence of c.844G>T in individuals affected with Cystic Fibrosis and no experimental evidence demonstrating its impact on protein function have been reported. ClinVar contains an entry for this variant (Variation ID: 1704404). Based on the evidence outlined above, the variant was classified as pathogenic.

Johns Hopkins Genomics, Johns Hopkins University
Classification: Pathogenic for Cystic fibrosis. Last evaluated: 2022-07-23. Review status: criteria provided, single submitter. Criteria: ACMG Guidelines, 2015. Collection method: clinical testing. Allele origin: germline.
Comment: This CFTR variant is absent from a large population dataset and has not been reported in ClinVar nor in the literature in individuals with cystic fibrosis, to our knowledge. This nonsense variant results in a premature stop codon in exon 7 (legacy exon 6b) likely leading to nonsense-mediated decay and lack of protein production. We consider CFTR c.844G>T to be pathogenic.